The following is an entry in ClinVar:

NM_000523.4(HOXD13):c.890T>C (p.Ile297Thr)

Gene: HOXD13 (homeobox D13; plus strand). Cytogenetic location: 2q31.1.
Variant type: single nucleotide variant.
Coding change: c.890T>C on transcript NM_000523.4 (MANE Select); coding-DNA position 890, T replaced by C.
Protein change: p.Ile297Thr; replaces isoleucine 297 with threonine.
Molecular consequence: missense variant.
Genome position (GRCh38, 1-based): chr2:176,094,588, T>C. VCF-style: chr2-176094588-T-C. GRCh37 (hg19) VCF-style: chr2-176959316-T-C.
Other names: short protein forms I297T.
Identifiers: ClinVar variation 4741438 (VCV004741438.1).

ClinVar aggregate classification (germline): Uncertain significance (1 of 4 stars; one submission).

Submission:

Labcorp Genetics (formerly Invitae), Labcorp
Classification: Uncertain significance. Last evaluated: 2025-08-22. Review status: criteria provided, single submitter. Criteria: Invitae Variant Classification Sherloc (09022015). Collection method: clinical testing. Allele origin: germline.
Comment: This sequence change replaces isoleucine, which is neutral and non-polar, with threonine, which is neutral and polar, at codon 297 of the HOXD13 protein (p.Ile297Thr). This variant is not present in population databases (gnomAD no frequency). This variant has not been reported in the literature in individuals affected with HOXD13-related conditions. Invitae Evidence Modeling of protein sequence and biophysical properties (such as structural, functional, and spatial information, amino acid conservation, physicochemical variation, residue mobility, and thermodynamic stability) indicates that this missense variant is not expected to disrupt HOXD13 protein function with a negative predictive value of 80%. In summary, the available evidence is currently insufficient to determine the role of this variant in disease. Therefore, it has been classified as a Variant of Uncertain Significance.